The following is an entry in ClinVar:

NM_000237.3(LPL):c.1187_1188del (p.Glu396fs)

Gene: LPL (lipoprotein lipase; plus strand). Cytogenetic location: 8p21.3.
Variant type: Microsatellite.
Coding change: c.1187_1188del on transcript NM_000237.3 (MANE Select); coding-DNA positions 1187 to 1188, 2 bases deleted (AG; older notation c.1187_1188delAG).
Protein change: p.Glu396fs; shifts the reading frame from glutamic acid 396.
Molecular consequence: frameshift variant.
Genome position (GRCh38, 1-based): chr8:19,960,948-19,960,949, AG deleted; deleting any 2 consecutive bases within chr8:19,960,946-19,960,949 gives the same sequence; the c. name uses the placement nearest the transcript's 3' end. VCF-style (leftmost placement, unchanged base first): chr8-19960945-CAG-C. GRCh37 (hg19) VCF-style: chr8-19818456-CAG-C.
Other names: short protein forms E396fs.
Identifiers: ClinVar variation 2840731 (VCV002840731.3), dbSNP rs2540111400, ClinGen allele CA2739279634.
Genomic context (GRCh38, chr8:19,960,945, plus strand): 5'-TTGCTTTTTTGTTTAGGCCTGAAGTTTCCACAAATAAGACCTACTCCTTCCTAATTTACA[CAG>C]AGGTAGATATTGGAGAACTACTCATGTTGAAGCTCAAATGGAAGAGTGATTCATACTTTA-3'

ClinVar aggregate classification (germline): Pathogenic (1 of 4 stars; one submission).

Submission:

Labcorp Genetics (formerly Invitae), Labcorp
Classification: Pathogenic. Last evaluated: 2023-02-25. Review status: criteria provided, single submitter. Criteria: Invitae Variant Classification Sherloc (09022015). Collection method: clinical testing. Allele origin: germline.
Comment: For these reasons, this variant has been classified as Pathogenic. This variant has not been reported in the literature in individuals affected with LPL-related conditions. This variant is not present in population databases (gnomAD no frequency). This sequence change creates a premature translational stop signal (p.Glu396Glyfs*16) in the LPL gene. It is expected to result in an absent or disrupted protein product. Loss-of-function variants in LPL are known to be pathogenic (PMID: 11334614). Algorithms developed to predict the effect of sequence changes on RNA splicing suggest that this variant may disrupt the consensus splice site.

Literature cited by the submitters: PubMed 11334614.